The following is an entry in ClinVar:

ClinVar aggregate classification (germline): Uncertain significance (1 of 4 stars; one submission).

Conditions:
CHARGE syndrome (CHARGE). Also called: Hittner Hirsch Kreh syndrome; Coloboma, heart anomaly, choanal atresia, retardation, genital and ear anomalies; CHARGE association; Hall-Hittner syndrome; CHARGE ASSOCIATION--COLOBOMA, HEART ANOMALY, CHOANAL ATRESIA, RETARDATION, GENITAL AND EAR ANOMALIES. Identifiers: Orphanet 138, MedGen C0265354, MONDO:0008965.

Submission:

Labcorp Genetics (formerly Invitae), Labcorp
Classification: Uncertain significance for CHARGE syndrome. Last evaluated: 2022-07-25. Review status: criteria provided, single submitter. Criteria: Invitae Variant Classification Sherloc (09022015). Collection method: clinical testing. Allele origin: germline.
Comment: In summary, the available evidence is currently insufficient to determine the role of this variant in disease. Therefore, it has been classified as a Variant of Uncertain Significance. Algorithms developed to predict the effect of sequence changes on RNA splicing suggest that this variant may create or strengthen a splice site. Advanced modeling of protein sequence and biophysical properties (such as structural, functional, and spatial information, amino acid conservation, physicochemical variation, residue mobility, and thermodynamic stability) performed at Invitae indicates that this missense variant is not expected to disrupt CHD7 protein function. ClinVar contains an entry for this variant (Variation ID: 1021633). This variant has not been reported in the literature in individuals affected with CHD7-related conditions. This variant is not present in population databases (gnomAD no frequency). This sequence change replaces valine, which is neutral and non-polar, with isoleucine, which is neutral and non-polar, at codon 745 of the CHD7 protein (p.Val745Ile).

NM_017780.4(CHD7):c.2233G>A (p.Val745Ile)

Gene: CHD7 (chromodomain helicase DNA binding protein 7; plus strand). Cytogenetic location: 8q12.2.
Variant type: single nucleotide variant.
Coding change: c.2233G>A on transcript NM_017780.4 (MANE Select); coding-DNA position 2233, G replaced by A.
Protein change: p.Val745Ile; replaces valine 745 with isoleucine.
Molecular consequence: missense variant. On other transcripts: intron variant (1).
Genome position (GRCh38, 1-based): chr8:60,795,122, G>A. VCF-style: chr8-60795122-G-A. GRCh37 (hg19) VCF-style: chr8-61707681-G-A.
Other names: c.1716+14072G>A (NM_001316690.1); short protein forms V745I.
Identifiers: ClinVar variation 1021633 (VCV001021633.8), dbSNP rs1811957623, ClinGen allele CA371296788.